The following is an entry in ClinVar:

ClinVar aggregate classification (germline): Uncertain significance (1 of 4 stars; one submission).

Allele frequency attached by ClinVar (database versions not stated): TOPMed below 0.00001; gnomAD 0.00001; ExAC 0.00002; ESP Exome Variant Server 0.00008.
gnomAD v4.1: 10 of 1,613,738 alleles (0.00062%); highest among the groups gnomAD compares: East Asian, 0.0067%; no homozygotes.

Submission:

Ambry Genetics
Classification: Uncertain significance. Last evaluated: 2021-10-20. Review status: criteria provided, single submitter. Criteria: Ambry Variant Classification Scheme 2023. Collection method: clinical testing. Allele origin: germline.
Comment: The p.I479V variant (also known as c.1435A>G), located in coding exon 13 of the PRKDC gene, results from an A to G substitution at nucleotide position 1435. The isoleucine at codon 479 is replaced by valine, an amino acid with highly similar properties. This amino acid position is conserved. In addition, this alteration is predicted to be tolerated by in silico analysis. Since supporting evidence is limited at this time, the clinical significance of this alteration remains unclear.

NM_006904.7(PRKDC):c.1435A>G (p.Ile479Val)

Gene: PRKDC (protein kinase, DNA-activated, catalytic subunit; minus strand). Cytogenetic location: 8q11.21.
Variant type: single nucleotide variant.
Coding change: c.1435A>G on transcript NM_006904.7 (MANE Select); coding-DNA position 1435, A replaced by G.
Protein change: p.Ile479Val; replaces isoleucine 479 with valine.
Molecular consequence: missense variant.
Genome position (GRCh38, 1-based): chr8:47,935,744, T>C on the plus strand (A>G on the coding strand, the complement: PRKDC is on the minus strand). VCF-style: chr8-47935744-T-C. GRCh37 (hg19) VCF-style: chr8-48848304-T-C.
Other names: c.1435A>G, p.Ile479Val (NM_001081640.2); short protein forms I479V.
Identifiers: ClinVar variation 1772597 (VCV001772597.2), dbSNP rs369403833, ClinGen allele CA4741742.